The following is an entry in ClinVar:

ClinVar aggregate classification (germline): Pathogenic (1 of 4 stars; one submission).

Conditions:
HNF1B-related disorder. Also called: HNF1B-related condition; HNF1B-related disorders.

Submission:

PreventionGenetics, part of Exact Sciences
Classification: Pathogenic for HNF1B-related condition. Last evaluated: 2024-12-03. Review status: criteria provided, single submitter. Criteria: ACMG Guidelines, 2015. Collection method: clinical testing. Allele origin: germline.
Comment: The HNF1B c.792dupA variant is predicted to result in a frameshift and premature protein termination (p.Val265Serfs*29). To our knowledge, this variant has not been reported in the literature or in a large population database (gnomAD), indicating this variant is rare. Frameshift variants in HNF1B are expected to be pathogenic. This variant is interpreted as pathogenic.

NM_000458.4(HNF1B):c.792dup (p.Val265fs)

Genes: HNF1B (HNF1 homeobox B; minus strand), LOC126862549 (BRD4-independent group 4 enhancer GRCh37_chr17:36093401-36094600; plus strand). Cytogenetic location: 17q12.
Variant type: Duplication.
Coding change: c.792dup on transcript NM_000458.4 (MANE Select); coding-DNA position 792, one base duplicated (A; older notation c.792dupA).
Protein change: p.Val265fs; shifts the reading frame from valine 265.
Molecular consequence: frameshift variant.
Genome position (GRCh38, 1-based): chr17:37,733,574, T duplicated on the plus strand (A on the coding strand, the reverse complement: HNF1B is on the minus strand). VCF-style (leftmost placement, unchanged base first): chr17-37733573-C-CT. GRCh37 (hg19) VCF-style: chr17-36093566-C-CT.
Other names: c.714dup, p.Val239fs (NM_001165923.4, NM_001304286.2); c.792dup, p.Val265fs (NM_001411100.1); short protein forms V239fs, V265fs.
Identifiers: ClinVar variation 4997006 (VCV004997006.1).